The following is an entry in ClinVar:

NM_001206979.2(NR1H4):c.475G>A (p.Ala159Thr)

Gene: NR1H4 (nuclear receptor subfamily 1 group H member 4; plus strand). Cytogenetic location: 12q23.1.
Variant type: single nucleotide variant.
Coding change: c.475G>A on transcript NM_001206979.2 (MANE Select); coding-DNA position 475, G replaced by A.
Protein change: p.Ala159Thr; replaces alanine 159 with threonine.
Molecular consequence: missense variant. On other transcripts: non-coding transcript variant (1), intron variant (1).
Genome position (GRCh38, 1-based): chr12:100,532,487, G>A. VCF-style: chr12-100532487-G-A. GRCh37 (hg19) VCF-style: chr12-100926265-G-A.
Other names: c.475G>A, p.Ala159Thr (NM_001206977.2, NM_005123.4); c.505G>A, p.Ala169Thr (NM_001206992.2, NM_001206993.2); c.446-2403G>A (NM_001206978.2); short protein forms A169T, A159T.
Identifiers: ClinVar variation 4989001 (VCV004989001.1).

ClinVar aggregate classification (germline): Likely benign (1 of 4 stars; one submission).

Conditions:
NR1H4-related disorder. Also called: NR1H4-related condition.

gnomAD v4.1: 305 of 1,614,002 alleles (0.019%); highest among the groups gnomAD compares: African/African-American, 0.0013%; no homozygotes.

Submission:

PreventionGenetics, part of Exact Sciences
Classification: Likely benign for NR1H4-related condition. Last evaluated: 2026-07-14. Review status: criteria provided, single submitter. Criteria: ACMG Guidelines, 2015. Collection method: clinical testing. Allele origin: germline.
Comment: This variant is classified as likely benign based on ACMG/AMP sequence variant interpretation guidelines (Richards et al. 2015 PMID: 25741868, with internal and published modifications).